The following is an entry in ClinVar:

ClinVar aggregate classification (germline): Uncertain significance (1 of 4 stars; one submission).

Conditions:
Combined immunodeficiency due to LRBA deficiency. Also called: Common variable immunodeficiency 8, with autoimmunity. Identifiers: Orphanet 445018, MedGen C3553512, MONDO:0013863, OMIM 614700.

Submission:

Labcorp Genetics (formerly Invitae), Labcorp
Classification: Uncertain significance for Combined immunodeficiency due to LRBA deficiency. Last evaluated: 2022-02-11. Review status: criteria provided, single submitter. Criteria: Invitae Variant Classification Sherloc (09022015). Collection method: clinical testing. Allele origin: germline.
Comment: In summary, the available evidence is currently insufficient to determine the role of this variant in disease. Therefore, it has been classified as a Variant of Uncertain Significance. Experimental studies and prediction algorithms are not available or were not evaluated, and the functional significance of this variant is currently unknown. This variant, c.6769_6771del, results in the deletion of 1 amino acid(s) of the LRBA protein (p.Glu2257del), but otherwise preserves the integrity of the reading frame. This variant is not present in population databases (gnomAD no frequency). This variant has not been reported in the literature in individuals affected with LRBA-related conditions.

NM_001364905.1(LRBA):c.6733GAA[1] (p.Glu2246del)

Gene: LRBA (LPS responsive beige-like anchor protein; minus strand). Cytogenetic location: 4q31.3.
Variant type: Microsatellite.
Coding change: c.6733GAA[1] on transcript NM_001364905.1 (MANE Select); one copy of the 3-base unit GAA starting at c.6733; the reference has two copies in a row; one copy, 3 bases deleted.
Protein change: p.Glu2246del; deletes glutamic acid 2246.
Molecular consequence: inframe deletion. On other transcripts: inframe indel (2).
Genome position (GRCh38, 1-based): chr4:150,467,715-150,467,717, TTC deleted on the plus strand (GAA on the coding strand, the reverse complement: LRBA is on the minus strand); deleting any 3 consecutive bases within chr4:150,467,715-150,467,721 gives the same sequence; the position shown is the placement nearest the transcript's 3' end. VCF-style (leftmost placement, unchanged base first): chr4-150467714-GTTC-G. GRCh37 (hg19) VCF-style: chr4-151388866-GTTC-G.
Other names: c.6732_6734AGA[1], p.Glu2246del (NM_001199282.3); c.6733GAA[1], p.Glu2246del (NM_001367550.1); c.6765_6767AGA[1], p.Glu2257del (NM_006726.5); short protein forms E2246del, E2257del.
Identifiers: ClinVar variation 2096647 (VCV002096647.4), dbSNP rs977987634, ClinGen allele CA108356250.